The following is an entry in ClinVar:

ClinVar aggregate classification (germline): Uncertain significance (1 of 4 stars; one submission).

Conditions:
Cardiovascular phenotype. Identifiers: MedGen CN230736.

Allele frequency attached by ClinVar (database versions not stated): ExAC 0.00001; gnomAD exomes 0.00001.
gnomAD v4.1: 3 of 1,614,110 alleles (0.00019%); highest among the groups gnomAD compares: South Asian, 0.0033%; no homozygotes.

Submission:

Ambry Genetics
Classification: Uncertain significance for Cardiovascular phenotype. Last evaluated: 2021-06-12. Review status: criteria provided, single submitter. Criteria: Ambry Variant Classification Scheme 2023. Collection method: clinical testing. Allele origin: germline.
Comment: The p.P1753S variant (also known as c.5257C>T), located in coding exon 27 of the SCN10A gene, results from a C to T substitution at nucleotide position 5257. The proline at codon 1753 is replaced by serine, an amino acid with similar properties. This amino acid position is conserved. In addition, the in silico prediction for this alteration is inconclusive. Since supporting evidence is limited at this time, the clinical significance of this alteration remains unclear.

NM_006514.4(SCN10A):c.5257C>T (p.Pro1753Ser)

Gene: SCN10A (sodium voltage-gated channel alpha subunit 10; minus strand). Cytogenetic location: 3p22.2.
Variant type: single nucleotide variant.
Coding change: c.5257C>T on transcript NM_006514.4 (MANE Select); coding-DNA position 5257, C replaced by T.
Protein change: p.Pro1753Ser; replaces proline 1753 with serine.
Molecular consequence: missense variant.
Genome position (GRCh38, 1-based): chr3:38,697,963, G>A on the plus strand (C>T on the coding strand, the complement: SCN10A is on the minus strand). VCF-style: chr3-38697963-G-A. GRCh37 (hg19) VCF-style: chr3-38739454-G-A.
Other names: c.5254C>T, p.Pro1752Ser (NM_001293306.2); c.4963C>T, p.Pro1655Ser (NM_001293307.2); short protein forms P1655S, P1753S, P1752S.
Identifiers: ClinVar variation 1746390 (VCV001746390.2), dbSNP rs755570717, ClinGen allele CA2319712.